The following is an entry in ClinVar:

NM_000059.4(BRCA2):c.224_225insA (p.Ser76fs)

Gene: BRCA2 (BRCA2 DNA repair associated; plus strand). Cytogenetic location: 13q13.1.
Variant type: Insertion.
Coding change: c.224_225insA on transcript NM_000059.4 (MANE Select); coding-DNA positions 224 to 225, A inserted.
Protein change: p.Ser76fs; shifts the reading frame from serine 76.
Molecular consequence: frameshift variant.
Genome position: GRCh38 VCF-style: chr13-32319233-C-CA. GRCh37 (hg19) VCF-style: chr13-32893370-C-CA.
Other names: 472insA; short protein forms S76fs.
Identifiers: ClinVar variation 266687 (VCV000266687.5), dbSNP rs886040414, ClinGen allele CA10589015.

ClinVar aggregate classification (germline): Pathogenic. Review status: reviewed by expert panel (3 of 4 stars). 2 submissions from 2 submitters: Pathogenic (1). 1 of the submissions does not count toward it. Last evaluated 2016-10-18.

Conditions:
Breast-ovarian cancer, familial, susceptibility to, 2 (BROVCA2). Also called: BRCA2 Hereditary Breast and Ovarian Cancer. Identifiers: Orphanet 145, MedGen C2675520, MONDO:0012933, OMIM 612555. Disease mechanism: loss of function.

Submissions (2):

Evidence-based Network for the Interpretation of Germline Mutant Alleles (ENIGMA)
Classification: Pathogenic for Breast-ovarian cancer, familial, susceptibility to, 2. Last evaluated: 2016-10-18. Review status: reviewed by expert panel. Criteria: ENIGMA BRCA1/2 Classification Criteria (2015). Collection method: curation. Allele origin: germline.
Comment: Variant allele predicted to encode a truncated non-functional protein.

Consortium of Investigators of Modifiers of BRCA1/2 (CIMBA), c/o University of Cambridge
Classification: Pathogenic for Breast-ovarian cancer, familial, susceptibility to, 2. Last evaluated: 2015-10-02. Review status: criteria provided, single submitter. Criteria: CIMBA Mutation Classification guidelines May 2016. Collection method: clinical testing. Allele origin: germline. Not counted in ClinVar's aggregate classification.